The following is an entry in ClinVar:

NM_004006.3(DMD):c.6284G>T (p.Arg2095Leu)

Gene: DMD (dystrophin; minus strand). Cytogenetic location: Xp21.1.
Variant type: single nucleotide variant.
Coding change: c.6284G>T on transcript NM_004006.3 (MANE Select); coding-DNA position 6284, G replaced by T.
Protein change: p.Arg2095Leu; replaces arginine 2095 with leucine.
Molecular consequence: missense variant.
Genome position (GRCh38, 1-based): chrX:32,287,535, C>A on the plus strand (G>T on the coding strand, the complement: DMD is on the minus strand). VCF-style: chrX-32287535-C-A. GRCh37 (hg19) VCF-style: chrX-32305652-C-A.
Other names: c.6260G>T, p.Arg2087Leu (NM_000109.4); c.6272G>T, p.Arg2091Leu (NM_004009.3); c.5915G>T, p.Arg1972Leu (NM_004010.3); c.2261G>T, p.Arg754Leu (NM_004011.4); c.2252G>T, p.Arg751Leu (NM_004012.4); short protein forms R1972L, R2087L, R2091L, R2095L, R751L, R754L.
Identifiers: ClinVar variation 913988 (VCV000913988.5), dbSNP rs370638522, ClinGen allele CA10378503.

ClinVar aggregate classification (germline): Uncertain significance. Review status: criteria provided, multiple submitters, no conflicts (2 of 4 stars). 2 submissions from 2 submitters: Uncertain significance (2). Last evaluated 2025-07-23.

Conditions:
Dilated cardiomyopathy 3B (CMD3B). Also called: CMD3B: DMD-Related Dilated Cardiomyopathy; CARDIOMYOPATHY, DILATED, X-LINKED; DMD-Associated Dilated Cardiomyopathy. Identifiers: Orphanet 154, MedGen C3668940, MONDO:0010542, OMIM 302045.
Duchenne muscular dystrophy (DMD). Also called: Duchenne Muscular Dystrophy (DMD); MUSCULAR DYSTROPHY, PSEUDOHYPERTROPHIC PROGRESSIVE, DUCHENNE TYPE. Identifiers: Orphanet 98896, MedGen C0013264, MONDO:0010679, OMIM 310200.

Allele frequency attached by ClinVar (database versions not stated): ExAC 0.00001; gnomAD exomes 0.00001; TOPMed 0.00002; gnomAD 0.00003; ESP Exome Variant Server 0.00009.
gnomAD v4.1: 7 of 1,207,549 alleles (0.00058%); highest among the groups gnomAD compares: Non-Finnish European, 0.00078%; no homozygotes.

Submissions (2):

Labcorp Genetics (formerly Invitae), Labcorp
Classification: Uncertain significance for Duchenne muscular dystrophy. Last evaluated: 2025-07-23. Review status: criteria provided, single submitter. Criteria: Invitae Variant Classification Sherloc (09022015). Collection method: clinical testing. Allele origin: germline.
Comment: This sequence change replaces arginine, which is basic and polar, with leucine, which is neutral and non-polar, at codon 2095 of the DMD protein (p.Arg2095Leu). This variant is present in population databases (rs370638522, gnomAD 0.003%). This variant has not been reported in the literature in individuals affected with DMD-related conditions. ClinVar contains an entry for this variant (Variation ID: 913988). Invitae Evidence Modeling of protein sequence and biophysical properties (such as structural, functional, and spatial information, amino acid conservation, physicochemical variation, residue mobility, and thermodynamic stability) indicates that this missense variant is not expected to disrupt DMD protein function with a negative predictive value of 95%. In summary, the available evidence is currently insufficient to determine the role of this variant in disease. Therefore, it has been classified as a Variant of Uncertain Significance.

Illumina Laboratory Services, Illumina
Classification: Uncertain significance for Dilated cardiomyopathy 3B. Last evaluated: 2018-01-13. Review status: criteria provided, single submitter. Criteria: ICSL Variant Classification Criteria 13 December 2019. Collection method: clinical testing. Allele origin: germline.